The following is an entry in ClinVar:

ClinVar aggregate classification (germline): Likely benign. Review status: criteria provided, multiple submitters, no conflicts (2 of 4 stars). 2 submissions from 2 submitters: Likely benign (2). Last evaluated 2024-06-19.

Conditions:
Familial hypobetalipoproteinemia 1. Also called: Hypobetalipoproteinemia, normotriglyceridemic; Acanthocytosis with hypobetalipoproteinemia; APOB-Related Familial Hypobetalipoproteinemia. Identifiers: MedGen C4551990, MONDO:0014252, OMIM 615558.
Hypercholesterolemia, autosomal dominant, type B (FHCL2). Also called: Familial hypercholesterolemia 2; APOB-Related Familial Hypercholesterolemia, Autosomal Dominant; HYPERCHOLESTEROLEMIA, FAMILIAL, DUE TO LIGAND-DEFECTIVE APOLIPOPROTEIN B; Familial Hypercholesterolemia Type B; APOLIPOPROTEIN B-100, FAMILIAL DEFECTIVE; APOLIPOPROTEIN B-100, FAMILIAL LIGAND-DEFECTIVE. Identifiers: MedGen C1704417, MONDO:0007751, OMIM 144010.

Allele frequency attached by ClinVar (database versions not stated): gnomAD exomes below 0.00001; ExAC 0.00001.
gnomAD v4.1: 1 of 1,614,132 alleles (0.000062%); highest among the groups gnomAD compares: Non-Finnish European, 0.000085%; no homozygotes.

Submissions (2):

Labcorp Genetics (formerly Invitae), Labcorp
Classification: Likely benign for Familial hypobetalipoproteinemia 1; Hypercholesterolemia, autosomal dominant, type B. Last evaluated: 2024-06-19. Review status: criteria provided, single submitter. Criteria: Invitae Variant Classification Sherloc (09022015). Collection method: clinical testing. Allele origin: germline.

GeneDx
Classification: Likely benign. Last evaluated: 2017-08-07. Review status: criteria provided, single submitter. Criteria: GeneDx Variant Classification (06012015). Collection method: clinical testing. Allele origin: germline. Affected: yes.
Comment: This variant is considered likely benign or benign based on one or more of the following criteria: it is a conservative change, it occurs at a poorly conserved position in the protein, it is predicted to be benign by multiple in silico algorithms, and/or has population frequency not consistent with disease.

NM_000384.3(APOB):c.9378A>G (p.Leu3126=)

Gene: APOB (apolipoprotein B; minus strand). Cytogenetic location: 2p24.1.
Variant type: single nucleotide variant.
Coding change: c.9378A>G on transcript NM_000384.3 (MANE Select); coding-DNA position 9378, A replaced by G.
Protein change: p.Leu3126=; no amino-acid change (leucine 3126 retained).
Molecular consequence: synonymous variant.
Genome position (GRCh38, 1-based): chr2:21,007,490, T>C on the plus strand (A>G on the coding strand, the complement: APOB is on the minus strand). VCF-style: chr2-21007490-T-C. GRCh37 (hg19) VCF-style: chr2-21230362-T-C.
Identifiers: ClinVar variation 511220 (VCV000511220.8), dbSNP rs760776177, ClinGen allele CA066485.